The following is an entry in ClinVar:

ClinVar aggregate classification (germline): Uncertain significance. Review status: criteria provided, single submitter (1 of 4 stars). 2 submissions from 2 submitters: Uncertain significance (1). 1 of the submissions does not count toward it. Last evaluated 2019-03-27.

Conditions:
Nemaline myopathy 2 (NEM2). Also called: Nemaline myopathy 2, autosomal recessive. Identifiers: MedGen C1850569, MONDO:0009725, OMIM 256030.

Allele frequency attached by ClinVar (database versions not stated): gnomAD exomes 0.00001; TOPMed below 0.00001.
gnomAD v4.1: 7 of 1,382,076 alleles (0.00051%); highest among the groups gnomAD compares: Non-Finnish European, 0.00068%; no homozygotes.

Submissions (2):

GeneDx
Classification: Uncertain significance. Last evaluated: 2019-03-27. Review status: criteria provided, single submitter. Criteria: GeneDx Variant Classification Process June 2021. Collection method: clinical testing. Allele origin: germline. Affected: yes.
Comment: Has not been previously published as pathogenic or benign to our knowledge; Not observed in large population cohorts (Lek et al., 2016); In silico analysis, which includes protein predictors and evolutionary conservation, supports a deleterious effect; Missense variant in a gene in which most reported pathogenic variants are truncating/loss-of-function

Natera, Inc.
Classification: Uncertain significance for Nemaline myopathy type 2. Last evaluated: 2021-01-21. Review status: no assertion criteria provided. Collection method: clinical testing. Allele origin: germline. Not counted in ClinVar's aggregate classification.

NM_001164508.2(NEB):c.3253G>A (p.Asp1085Asn)

Gene: NEB (nebulin; minus strand). Cytogenetic location: 2q23.3.
Variant type: single nucleotide variant.
Coding change: c.3253G>A on transcript NM_001164508.2 (MANE Select); coding-DNA position 3253, G replaced by A.
Protein change: p.Asp1085Asn; replaces aspartic acid 1085 with asparagine.
Molecular consequence: missense variant.
Genome position (GRCh38, 1-based): chr2:151,679,723, C>T on the plus strand (G>A on the coding strand, the complement: NEB is on the minus strand). VCF-style: chr2-151679723-C-T. GRCh37 (hg19) VCF-style: chr2-152536237-C-T.
Other names: c.3253G>A, p.Asp1085Asn (NM_001164507.2, NM_001271208.2, NM_004543.5); short protein forms D1085N.
Identifiers: ClinVar variation 1188534 (VCV001188534.3), dbSNP rs2099400725, ClinGen allele CA348819977.